The following is an entry in ClinVar:

NM_172107.4(KCNQ2):c.695T>C (p.Leu232Pro)

Gene: KCNQ2 (potassium voltage-gated channel subfamily Q member 2; minus strand). Cytogenetic location: 20q13.33.
Variant type: single nucleotide variant.
Coding change: c.695T>C on transcript NM_172107.4 (MANE Select); coding-DNA position 695, T replaced by C.
Protein change: p.Leu232Pro; replaces leucine 232 with proline.
Molecular consequence: missense variant.
Genome position (GRCh38, 1-based): chr20:63,442,527, A>G on the plus strand (T>C on the coding strand, the complement: KCNQ2 is on the minus strand). VCF-style: chr20-63442527-A-G. GRCh37 (hg19) VCF-style: chr20-62073880-A-G.
Other names: c.695T>C, p.Leu232Pro (NM_001382235.1, NM_004518.6, NM_172106.3 and 2 more transcripts); short protein forms L232P.
Identifiers: ClinVar variation 1690836 (VCV001690836.2), dbSNP rs2145736778, ClinGen allele CA409654102.

ClinVar aggregate classification (germline): Likely pathogenic (1 of 4 stars; one submission).

Submission:

Laboratorio de Genetica e Diagnostico Molecular, Hospital Israelita Albert Einstein
Classification: Likely pathogenic. Last evaluated: 2020-03-10. Review status: criteria provided, single submitter. Criteria: ACMG Guidelines, 2015. Collection method: clinical testing. Allele origin: germline. Affected: yes.
Comment: ACMG classification criteria: PM1, PM2, PP2, PP3